The following is an entry in ClinVar:

NM_145166.4(ZBTB47):c.2079C>T (p.Gly693=)

Gene: ZBTB47 (zinc finger and BTB domain containing 47; plus strand). Cytogenetic location: 3p22.1.
Variant type: single nucleotide variant.
Coding change: c.2079C>T on transcript NM_145166.4 (MANE Select); coding-DNA position 2079, C replaced by T.
Protein change: p.Gly693=; no amino-acid change (glycine 693 retained).
Molecular consequence: synonymous variant.
Genome position (GRCh38, 1-based): chr3:42,664,433, C>T. VCF-style: chr3-42664433-C-T. GRCh37 (hg19) VCF-style: chr3-42705925-C-T.
Other names: c.2163C>T, p.Gly721= (NM_001410746.1); c.2079C>T (NM_145166.3).
Identifiers: ClinVar variation 4533480 (VCV004533480.7).

ClinVar aggregate classification (germline): Likely benign. Review status: criteria provided, multiple submitters, no conflicts (2 of 4 stars). 2 submissions from 2 submitters: Likely benign (2). Last evaluated 2026-07-01.

Conditions:
ZBTB47-related condition.

gnomAD v4.1: 1,100 of 1,538,042 alleles (0.072%); highest among the groups gnomAD compares: Middle Eastern, 0.67%; 4 homozygotes.

Submissions (2):

CeGaT Center for Human Genetics Tuebingen
Classification: Likely benign. Last evaluated: 2026-07-01. Review status: criteria provided, single submitter. Criteria: CeGaT Center For Human Genetics Tuebingen Variant Classification Criteria Version 2. Collection method: clinical testing. Allele origin: germline. Affected: yes. Observed: 2 variant alleles.
Comment: ZBTB47: BP4, BP7

PreventionGenetics, part of Exact Sciences
Classification: Likely benign for ZBTB47-related condition. Last evaluated: 2026-07-01. Review status: criteria provided, single submitter. Criteria: ACMG Guidelines, 2015. Collection method: clinical testing. Allele origin: germline.
Comment: This variant is classified as likely benign based on ACMG/AMP sequence variant interpretation guidelines (Richards et al. 2015 PMID: 25741868, with internal and published modifications).